The following is an entry in ClinVar:

ClinVar aggregate classification (germline): Conflicting classifications of pathogenicity. Review status: no assertion criteria provided (0 of 4 stars). 2 submissions from 2 submitters: Pathogenic (1); Uncertain significance (1). Last evaluated 2021-11-16.

Conditions:
Intellectual developmental disorder, X-linked 112 (XLID112). Identifiers: MedGen C5829589, MONDO:0957496, OMIM 301111.

Allele frequency attached by ClinVar (database versions not stated): gnomAD 0.00005 and 0.00001.
gnomAD v4.1: 1 of 1,209,879 alleles (0.000083%); no homozygotes.

Submissions (2):

Greenwood Genetic Center Diagnostic Laboratories, Greenwood Genetic Center
Classification: Uncertain significance. Last evaluated: 2021-11-16. Review status: no assertion criteria provided. Collection method: clinical testing. Allele origin: germline. Affected: yes.
Comment: Gene of uncertain significance

OMIM
Classification: Pathogenic for INTELLECTUAL DEVELOPMENTAL DISORDER, X-LINKED 112. Last evaluated: 2014-04-11. Review status: no assertion criteria provided. Collection method: literature only. Allele origin: germline.

Literature cited by the submitters: PubMed 24721225 (cited by OMIM); PubMed 36586412 (cited by OMIM).

NM_201599.3(ZMYM3):c.1321C>T (p.Arg441Trp)

Gene: ZMYM3 (zinc finger MYM-type containing 3; minus strand). Cytogenetic location: Xq13.1.
Variant type: single nucleotide variant.
Coding change: c.1321C>T on transcript NM_201599.3 (MANE Select); coding-DNA position 1321, C replaced by T.
Protein change: p.Arg441Trp; replaces arginine 441 with tryptophan.
Molecular consequence: missense variant.
Genome position (GRCh38, 1-based): chrX:71,249,610, G>A on the plus strand (C>T on the coding strand, the complement: ZMYM3 is on the minus strand). VCF-style: chrX-71249610-G-A. GRCh37 (hg19) VCF-style: chrX-70469460-G-A.
Other names: c.1321C>T, p.Arg441Trp (NM_001171162.1, NM_001171163.1, NM_005096.3); short protein forms R441W.
Identifiers: ClinVar variation 127192 (VCV000127192.6), dbSNP rs587777358, ClinGen allele CA022291.
Genomic context (GRCh38, chrX:71,249,610, plus strand): 5'-TGGTGTAGATGTAAGCCCCACACTGGTCACAACAGTTGGTTTTCAGTCCCTTGTTGGCCC[G>A]GAATTTGGAGAAGCAAGAATCGCTGCAGAGCCGGTGTACCACGCTGCCATTGCTGACCTC-3'
Protein context (NP_963893.1, residues 431-451): LCSDSCFSKF[Arg441Trp]ANKGLKTNCC